The following is an entry in ClinVar:

NM_001367561.1(DOCK7):c.1949T>C (p.Phe650Ser)

Gene: DOCK7 (dedicator of cytokinesis 7; minus strand). Cytogenetic location: 1p31.3.
Variant type: single nucleotide variant.
Coding change: c.1949T>C on transcript NM_001367561.1 (MANE Select); coding-DNA position 1949, T replaced by C.
Protein change: p.Phe650Ser; replaces phenylalanine 650 with serine.
Molecular consequence: missense variant.
Genome position (GRCh38, 1-based): chr1:62,578,889, A>G on the plus strand (T>C on the coding strand, the complement: DOCK7 is on the minus strand). VCF-style: chr1-62578889-A-G. GRCh37 (hg19) VCF-style: chr1-63044560-A-G.
Other names: c.1949T>C, p.Phe650Ser (NM_001271999.2, NM_001272000.2, NM_001272001.2 and 2 more transcripts); short protein forms F650S.
Identifiers: ClinVar variation 844861 (VCV000844861.10), dbSNP rs1647023662, ClinGen allele CA340629252.

ClinVar aggregate classification (germline): Uncertain significance (1 of 4 stars; one submission).

Conditions:
Developmental and epileptic encephalopathy, 23 (DEE23). Also called: Epileptic encephalopathy, early infantile, 23. Identifiers: Orphanet 411986, MedGen C4014492, MONDO:0014371, OMIM 615859.

Submission:

Labcorp Genetics (formerly Invitae), Labcorp
Classification: Uncertain significance for Developmental and epileptic encephalopathy, 23. Last evaluated: 2019-11-27. Review status: criteria provided, single submitter. Criteria: Invitae Variant Classification Sherloc (09022015). Collection method: clinical testing. Allele origin: germline.
Comment: In summary, the available evidence is currently insufficient to determine the role of this variant in disease. Therefore, it has been classified as a Variant of Uncertain Significance. Algorithms developed to predict the effect of missense changes on protein structure and function are either unavailable or do not agree on the potential impact of this missense change (SIFT: "Deleterious"; PolyPhen-2: "Probably Damaging"; Align-GVGD: "Class C0"). This variant has not been reported in the literature in individuals with DOCK7-related conditions. This variant is not present in population databases (ExAC no frequency). This sequence change replaces phenylalanine with serine at codon 650 of the DOCK7 protein (p.Phe650Ser). The phenylalanine residue is moderately conserved and there is a large physicochemical difference between phenylalanine and serine.